The following is an entry in ClinVar:

ClinVar aggregate classification (germline): Uncertain significance. Review status: criteria provided, multiple submitters, no conflicts (2 of 4 stars). 2 submissions from 2 submitters: Uncertain significance (2). Last evaluated 2024-03-28.

Conditions:
Hereditary cancer-predisposing syndrome. Also called: Neoplastic Syndromes, Hereditary; Tumor predisposition; Hereditary Cancer Syndrome; Hereditary neoplastic syndrome. Identifiers: Orphanet 140162, MedGen C0027672, MeSH D009386, MONDO:0015356.
Nijmegen breakage syndrome-like disorder (NBSLD). Also called: MICROCEPHALY AND SPONTANEOUS CHROMOSOME INSTABILITY WITHOUT IMMUNODEFICIENCY; NBS-LIKE DISORDER; RAD50 DEFICIENCY. Identifiers: Orphanet 240760, MedGen C2751318, MONDO:0013118, OMIM 613078.

Submissions (2):

Fulgent Genetics
Classification: Uncertain significance for Nijmegen breakage syndrome-like disorder. Last evaluated: 2024-03-28. Review status: criteria provided, single submitter. Criteria: ACMG Guidelines, 2015. Collection method: clinical testing. Allele origin: germline.

Ambry Genetics
Classification: Uncertain significance for Hereditary cancer-predisposing syndrome. Last evaluated: 2024-02-20. Review status: criteria provided, single submitter. Criteria: Ambry Variant Classification Scheme 2023. Collection method: clinical testing. Allele origin: germline.
Comment: The p.I778L variant (also known as c.2332A>C), located in coding exon 14 of the RAD50 gene, results from an A to C substitution at nucleotide position 2332. The isoleucine at codon 778 is replaced by leucine, an amino acid with highly similar properties. This amino acid position is not well conserved in available vertebrate species. In addition, this alteration is predicted to be tolerated by in silico analysis. Since supporting evidence is limited at this time, the clinical significance of this alteration remains unclear.

NM_005732.4(RAD50):c.2332A>C (p.Ile778Leu)

Gene: RAD50 (RAD50 double strand break repair protein; plus strand). Cytogenetic location: 5q31.1.
Variant type: single nucleotide variant.
Coding change: c.2332A>C on transcript NM_005732.4 (MANE Select); coding-DNA position 2332, A replaced by C.
Protein change: p.Ile778Leu; replaces isoleucine 778 with leucine.
Molecular consequence: missense variant.
Genome position (GRCh38, 1-based): chr5:132,603,424, A>C. VCF-style: chr5-132603424-A-C. GRCh37 (hg19) VCF-style: chr5-131939116-A-C.
Other names: short protein forms I778L.
Identifiers: ClinVar variation 821111 (VCV000821111.5), dbSNP rs1554099107, ClinGen allele CA360954699.